The following is an entry in ClinVar:

NM_001114753.3(ENG):c.277dup (p.Arg93fs)

Gene: ENG (endoglin; minus strand). Cytogenetic location: 9q34.11.
Variant type: Duplication.
Coding change: c.277dup on transcript NM_001114753.3 (MANE Select); coding-DNA position 277, one base duplicated (C; older notation c.277dupC).
Protein change: p.Arg93fs; shifts the reading frame from arginine 93.
Molecular consequence: frameshift variant. On other transcripts: 5 prime UTR variant (1).
Genome position (GRCh38, 1-based): chr9:127,829,770, G duplicated on the plus strand (C on the coding strand, the reverse complement: ENG is on the minus strand); the first of 4 consecutive G bases (chr9:127,829,770-127,829,773); duplicating any one gives the same sequence. VCF-style (leftmost placement, unchanged base first): chr9-127829769-C-CG. GRCh37 (hg19) VCF-style: chr9-130592048-C-CG.
Other names: c.274dup, p.Arg93Profs (NM_000118.4, NM_001406715.1); c.-270dup (NM_001278138.2); short protein forms R93fs.
Identifiers: ClinVar variation 958891 (VCV000958891.6), dbSNP rs1830717066, ClinGen allele CA1139661225.

ClinVar aggregate classification (germline): Pathogenic. Review status: criteria provided, multiple submitters, no conflicts (2 of 4 stars). 2 submissions from 2 submitters: Pathogenic (2). Last evaluated 2026-06-02.

Conditions:
Hereditary hemorrhagic telangiectasia (HHT). Also called: Osler hemorrhagic telangiectasia syndrome; ORW DISEASE; Osler Weber Rendu syndrome; OSLER-RENDU-WEBER DISEASE. Identifiers: Orphanet 774, MedGen C0039445, MONDO:0019180. Disease mechanism: loss of function.
Cardiovascular phenotype. Identifiers: MedGen CN230736.

Submissions (2):

Ambry Genetics
Classification: Pathogenic for Cardiovascular phenotype. Last evaluated: 2026-06-02. Review status: criteria provided, single submitter. Criteria: Ambry Variant Classification Scheme 2023. Collection method: clinical testing. Allele origin: germline.
Comment: The c.277dupC pathogenic mutation, located in coding exon 3 of the ENG gene, results from a duplication of C at nucleotide position 277, causing a translational frameshift with a predicted alternate stop codon (p.R93Pfs*56). This variant is considered to be rare based on population cohorts in the Genome Aggregation Database (gnomAD). This alteration is expected to result in loss of function by premature protein truncation or nonsense-mediated mRNA decay. As such, this alteration is interpreted as a disease-causing mutation.

Labcorp Genetics (formerly Invitae), Labcorp
Classification: Pathogenic for Hereditary hemorrhagic telangiectasia. Last evaluated: 2019-11-11. Review status: criteria provided, single submitter. Criteria: Invitae Variant Classification Sherloc (09022015). Collection method: clinical testing. Allele origin: germline.
Comment: This sequence change creates a premature translational stop signal (p.Arg93Profs*56) in the ENG gene. It is expected to result in an absent or disrupted protein product. This variant is not present in population databases (ExAC no frequency). This variant has not been reported in the literature in individuals with ENG-related conditions. Loss-of-function variants in ENG are known to be pathogenic (PMID: 15879500, 20656886, 22385575). For these reasons, this variant has been classified as Pathogenic.